The following is an entry in ClinVar:

ClinVar aggregate classification (germline): Conflicting classifications of pathogenicity. Review status: criteria provided, conflicting classifications (1 of 4 stars). 3 submissions from 3 submitters: Uncertain significance (1); Likely benign (2). Last evaluated 2025-03-17.

Conditions:
Inborn genetic diseases. Identifiers: MedGen C0950123, MeSH D030342.
ANOS1-related disorder. Also called: ANOS1-related condition.

Allele frequency attached by ClinVar (database versions not stated): gnomAD exomes 0.00005; TOPMed 0.00007; gnomAD 0.00008; 1000 Genomes Project 30x 0.00021.
gnomAD v4.1: 58 of 1,113,569 alleles (0.0052%); highest among the groups gnomAD compares: South Asian, 0.0064%; no homozygotes.

Submissions (3):

Ambry Genetics
Classification: Uncertain significance for Inborn genetic diseases. Last evaluated: 2025-03-17. Review status: criteria provided, single submitter. Criteria: Ambry Variant Classification Scheme 2023. Collection method: clinical testing. Allele origin: germline.

PreventionGenetics, part of Exact Sciences
Classification: Likely benign for ANOS1-related condition. Last evaluated: 2025-02-24. Review status: criteria provided, single submitter. Criteria: ACMG Guidelines, 2015. Collection method: clinical testing. Allele origin: germline.
Comment: This variant is classified as likely benign based on ACMG/AMP sequence variant interpretation guidelines (Richards et al. 2015 PMID: 25741868, with internal and published modifications).

CeGaT Center for Human Genetics Tuebingen
Classification: Likely benign. Last evaluated: 2023-02-01. Review status: criteria provided, single submitter. Criteria: CeGaT Center For Human Genetics Tuebingen Variant Classification Criteria Version 2. Collection method: clinical testing. Allele origin: germline. Affected: yes. Observed: 1 variant allele.
Comment: ANOS1: BS2

NM_000216.4(ANOS1):c.79C>G (p.Pro27Ala)

Gene: ANOS1 (anosmin 1; minus strand). Cytogenetic location: Xp22.31.
Variant type: single nucleotide variant.
Coding change: c.79C>G on transcript NM_000216.4 (MANE Select); coding-DNA position 79, C replaced by G.
Protein change: p.Pro27Ala; replaces proline 27 with alanine.
Molecular consequence: missense variant.
Genome position (GRCh38, 1-based): chrX:8,731,958, G>C on the plus strand (C>G on the coding strand, the complement: ANOS1 is on the minus strand). VCF-style: chrX-8731958-G-C. GRCh37 (hg19) VCF-style: chrX-8699999-G-C.
Other names: c.79C>G (NM_000216.3); short protein forms P27A.
Identifiers: ClinVar variation 2306981 (VCV002306981.27), dbSNP rs990367646, ClinGen allele CA326499254.
Genomic context (GRCh38, chrX:8,731,958, plus strand): 5'-CGCGCTGGACGCTCCCGGCAGACAGCGACTCGTCCAGCCGCCGCGCAGCAGCCGCGCCGG[G>C]GCCGGCCGCCAGGCAGCCGCTGGAGGCCGCCAGCCAGAGGCAGAGGGTCAGGACCGCGCC-3'
Protein context (NP_000207.2, residues 17-37): AASSGCLAAG[Pro27Ala]GAAAARRLDE